The following is an entry in ClinVar:

ClinVar aggregate classification (germline): Benign. Review status: criteria provided, multiple submitters, no conflicts (2 of 4 stars). 2 submissions from 2 submitters: Benign (2). Last evaluated 2016-03-29.

Allele frequency attached by ClinVar (database versions not stated): gnomAD exomes 0.72801; ExAC 0.72937; ESP Exome Variant Server 0.73059; gnomAD 0.74059 and 0.74385; TOPMed 0.75415; 1000 Genomes Project 30x 0.83339; 1000 Genomes Project 0.83786.

Submissions (2):

Laboratory for Molecular Medicine, Mass General Brigham Personalized Medicine
Classification: Benign. Last evaluated: 2016-03-29. Review status: criteria provided, single submitter. Criteria: LMM Criteria. Collection method: clinical testing. Allele origin: germline.
Comment: Variant identified in a genome or exome case(s) and assessed due to predicted null impact of the variant or pathogenic assertions in the literature or databases. Disclaimer: This variant has not undergone full assessment. The following are preliminary notes: Frequency

Breakthrough Genomics
Classification: Benign. Review status: criteria provided, single submitter. Criteria: ACMG Guidelines, 2015. Collection method: not provided. Allele origin: germline. Inheritance: Autosomal recessive inheritance. Affected: yes.

NM_001372106.1(DNAH10):c.1621A>G (p.Ile541Val)

Gene: DNAH10 (dynein axonemal heavy chain 10; plus strand). Cytogenetic location: 12q24.31.
Variant type: single nucleotide variant.
Coding change: c.1621A>G on transcript NM_001372106.1 (MANE Select); coding-DNA position 1621, A replaced by G.
Protein change: p.Ile541Val; replaces isoleucine 541 with valine.
Molecular consequence: missense variant.
Genome position (GRCh38, 1-based): chr12:123,789,927, A>G. VCF-style: chr12-123789927-A-G. GRCh37 (hg19) VCF-style: chr12-124274474-A-G.
Other names: c.1438A>G, p.Ile480Val (NM_207437.3); short protein forms I480V, I541V.
Identifiers: ClinVar variation 402614 (VCV000402614.5), dbSNP rs10846559, ClinGen allele CA6862812.